The following is an entry in ClinVar:

ClinVar aggregate classification (germline): Uncertain significance. Review status: criteria provided, multiple submitters, no conflicts (2 of 4 stars). 2 submissions from 2 submitters: Uncertain significance (2). Last evaluated 2024-05-31.

Conditions:
Polycystic kidney disease 4 (PKD4). Also called: POLYCYSTIC KIDNEY AND HEPATIC DISEASE 1; POLYCYSTIC KIDNEY DISEASE, INFANTILE, TYPE I; PKD3; Autosomal Recessive Polycystic Kidney Disease – PKHD1; POLYCYSTIC KIDNEY DISEASE 4 WITH OR WITHOUT POLYCYSTIC LIVER DISEASE. Identifiers: MedGen C4540575, MONDO:0033004, OMIM 263200.

Allele frequency attached by ClinVar (database versions not stated): gnomAD 0.00001; gnomAD exomes 0.00001; TOPMed 0.00002.
gnomAD v4.1: 13 of 1,612,658 alleles (0.00081%); highest among the groups gnomAD compares: East Asian, 0.0045%; no homozygotes.

Submissions (2):

Fulgent Genetics
Classification: Uncertain significance for Polycystic kidney disease 4. Last evaluated: 2024-05-31. Review status: criteria provided, single submitter. Criteria: ACMG Guidelines, 2015. Collection method: clinical testing. Allele origin: germline.

GeneDx
Classification: Uncertain significance. Last evaluated: 2023-03-08. Review status: criteria provided, single submitter. Criteria: GeneDx Variant Classification Process June 2021. Collection method: clinical testing. Allele origin: germline. Affected: yes.
Comment: Not observed at significant frequency in large population cohorts (gnomAD); In silico analysis supports that this missense variant does not alter protein structure/function; Has not been previously published as pathogenic or benign to our knowledge

NM_138694.4(PKHD1):c.7672C>T (p.Arg2558Trp)

Gene: PKHD1 (PKHD1 ciliary IPT domain containing fibrocystin/polyductin; minus strand). Cytogenetic location: 6p12.2.
Variant type: single nucleotide variant.
Coding change: c.7672C>T on transcript NM_138694.4 (MANE Select); coding-DNA position 7672, C replaced by T.
Protein change: p.Arg2558Trp; replaces arginine 2558 with tryptophan.
Molecular consequence: missense variant.
Genome position (GRCh38, 1-based): chr6:51,867,924, G>A on the plus strand (C>T on the coding strand, the complement: PKHD1 is on the minus strand). VCF-style: chr6-51867924-G-A. GRCh37 (hg19) VCF-style: chr6-51732722-G-A.
Other names: c.7672C>T, p.Arg2558Trp (NM_170724.3); short protein forms R2558W.
Identifiers: ClinVar variation 2579615 (VCV002579615.2), dbSNP rs1195338697, ClinGen allele CA364418377.